The following is an entry in ClinVar:

NM_001370466.1(NOD2):c.2115C>A (p.Ser705Arg)

Gene: NOD2 (nucleotide binding oligomerization domain containing 2; plus strand). Cytogenetic location: 16q12.1.
Variant type: single nucleotide variant.
Coding change: c.2115C>A on transcript NM_001370466.1 (MANE Select); coding-DNA position 2115, C replaced by A.
Protein change: p.Ser705Arg; replaces serine 705 with arginine.
Molecular consequence: missense variant. On other transcripts: non-coding transcript variant (1).
Genome position (GRCh38, 1-based): chr16:50,712,107, C>A. VCF-style: chr16-50712107-C-A. GRCh37 (hg19) VCF-style: chr16-50746018-C-A.
Other names: c.2115C>A, p.Ser705Arg (NM_001293557.2); c.2196C>A, p.Ser732Arg (NM_022162.3); short protein forms S705R, S732R.
Identifiers: ClinVar variation 1909092 (VCV001909092.5), dbSNP rs6413461, ClinGen allele CA281264025.
Genomic context (GRCh38, chr16:50,712,107, plus strand): 5'-CCGCAGCCTCCGCAAGCACTTCCACTCCATCCCGCCAGCTGCACCGGGTGAGGCCAAGAG[C>A]GTGCATGCCATGCCCGGGTTCATCTGGCTCATCCGGAGCCTGTACGAGATGCAGGAGGAG-3'
Protein context (NP_001357395.1, residues 695-715): IPPAAPGEAK[Ser705Arg]VHAMPGFIWL

ClinVar aggregate classification (germline): Uncertain significance (1 of 4 stars; one submission).

Conditions:
Regional enteritis. Also called: Enteritis, Granulomatous. Identifiers: MedGen C0678202, MeSH D003424.
Blau syndrome (BLAUS). Also called: ARTHROCUTANEOUVEAL GRANULOMATOSIS; GRANULOMATOSIS, FAMILIAL JUVENILE SYSTEMIC; GRANULOMATOSIS, FAMILIAL, BLAU TYPE; GRANULOMATOUS INFLAMMATORY ARTHRITIS, DERMATITIS, AND UVEITIS, FAMILIAL; JABS SYNDROME. Identifiers: Orphanet 90340, MedGen C5201146, MONDO:0008523, OMIM 186580.

gnomAD v4.1: 6 of 1,613,870 alleles (0.00037%); highest among the groups gnomAD compares: Non-Finnish European, 0.00051%; no homozygotes.

Submission:

Labcorp Genetics (formerly Invitae), Labcorp
Classification: Uncertain significance for Regional enteritis; Blau syndrome. Last evaluated: 2024-06-07. Review status: criteria provided, single submitter. Criteria: Invitae Variant Classification Sherloc (09022015). Collection method: clinical testing. Allele origin: germline.
Comment: This sequence change replaces serine, which is neutral and polar, with arginine, which is basic and polar, at codon 732 of the NOD2 protein (p.Ser732Arg). This variant is not present in population databases (gnomAD no frequency). This variant has not been reported in the literature in individuals affected with NOD2-related conditions. ClinVar contains an entry for this variant (Variation ID: 1909092). Advanced modeling of protein sequence and biophysical properties (such as structural, functional, and spatial information, amino acid conservation, physicochemical variation, residue mobility, and thermodynamic stability) performed at Invitae indicates that this missense variant is not expected to disrupt NOD2 protein function with a negative predictive value of 95%. In summary, the available evidence is currently insufficient to determine the role of this variant in disease. Therefore, it has been classified as a Variant of Uncertain Significance.